The following is an entry in ClinVar:

ClinVar aggregate classification (germline): Uncertain significance (1 of 4 stars; one submission).

Conditions:
Primary ciliary dyskinesia. Also called: Ciliary dyskinesia. Identifiers: Orphanet 244, MedGen C0008780, MONDO:0016575, HP:0012265.

Submission:

Labcorp Genetics (formerly Invitae), Labcorp
Classification: Uncertain significance for Primary ciliary dyskinesia. Last evaluated: 2022-07-26. Review status: criteria provided, single submitter. Criteria: Invitae Variant Classification Sherloc (09022015). Collection method: clinical testing. Allele origin: germline.
Comment: In summary, the available evidence is currently insufficient to determine the role of this variant in disease. Therefore, it has been classified as a Variant of Uncertain Significance. Algorithms developed to predict the effect of missense changes on protein structure and function (SIFT, PolyPhen-2, Align-GVGD) all suggest that this variant is likely to be tolerated. ClinVar contains an entry for this variant (Variation ID: 1449108). This variant has not been reported in the literature in individuals affected with RPGR-related conditions. This variant is not present in population databases (gnomAD no frequency). This sequence change replaces valine, which is neutral and non-polar, with leucine, which is neutral and non-polar, at codon 666 of the RPGR protein (p.Val666Leu).

NC_000023.11:g.38276682C>G

Gene: RPGR (retinitis pigmentosa GTPase regulator; minus strand). Cytogenetic location: Xp11.4.
Variant type: single nucleotide variant.
Molecular consequence: missense variant (on NM_000328.3). On other transcripts: non-coding transcript variant (6).
Genome position: GRCh38 VCF-style: chrX-38276682-C-G. GRCh37 (hg19) VCF-style: chrX-38135935-C-G.
Other names: c.1996G>C, p.Val666Leu (NM_000328.3); c.1993G>C, p.Val665Leu (NM_001367245.1); c.1810G>C, p.Val604Leu (NM_001367246.1); c.1663G>C, p.Val555Leu (NM_001367247.1); c.1693G>C, p.Val565Leu (NM_001367248.1); c.1660G>C, p.Val554Leu (NM_001367249.1, NM_001367250.1); c.1477G>C, p.Val493Leu (NM_001367251.1); short protein forms V554L, V555L, V565L, V604L, V493L, V665L, V666L.
Identifiers: ClinVar variation 1449108 (VCV001449108.7), dbSNP rs2147169038, ClinGen allele CA412721166.
Genomic context (GRCh38, chrX:38,276,682, plus strand): 5'-TTCTTTCTGCTCCTTCTGTTTTACTGTGATAACCTGTAGGAACACTTTCATCATCTCCCA[C>G]AGTTTTCTTCTTGCTTTCCACATTTTCAGCATTAATTTCCTCATCCACATCTTCTAGTTT-3'